The following is an entry in ClinVar:

ClinVar aggregate classification (germline): Pathogenic. Review status: criteria provided, multiple submitters, no conflicts (2 of 4 stars). 2 submissions from 2 submitters: Pathogenic (2). Last evaluated 2022-06-04.

Conditions:
Congenital muscular hypertrophy-cerebral syndrome (CDLS2). Also called: SMC1A-Related Cornelia de Lange Syndrome; Cornelia de Lange syndrome 2. Identifiers: Orphanet 199, MedGen C1802395, MONDO:0010370, OMIM 300590.

Submissions (2):

Labcorp Genetics (formerly Invitae), Labcorp
Classification: Pathogenic for Congenital muscular hypertrophy-cerebral syndrome. Last evaluated: 2022-06-04. Review status: criteria provided, single submitter. Criteria: Invitae Variant Classification Sherloc (09022015). Collection method: clinical testing. Allele origin: germline.
Comment: For these reasons, this variant has been classified as Pathogenic. ClinVar contains an entry for this variant (Variation ID: 432458). This variant has not been reported in the literature in individuals affected with SMC1A-related conditions. This variant is not present in population databases (gnomAD no frequency). This sequence change creates a premature translational stop signal (p.Arg758*) in the SMC1A gene. It is expected to result in an absent or disrupted protein product. Loss-of-function variants in SMC1A are known to be pathogenic (PMID: 26386245, 27334371, 28166369, 28548707, 31334757).

GeneDx
Classification: Pathogenic. Last evaluated: 2017-06-01. Review status: criteria provided, single submitter. Criteria: GeneDx Variant Classification (06012015). Collection method: clinical testing. Allele origin: germline. Affected: yes.
Comment: The R758X variant in the SMC1A gene has not been reported previously as a pathogenic variant nor as a benign variant, to our knowledge. This variant is predicted to cause loss of normal protein function either through protein truncation or nonsense-mediated mRNA decay. The R758X variant is not observed in large population cohorts (Lek et al., 2016; 1000 Genomes Consortium et al., 2015; Exome Variant Server). We interpret R758X as a pathogenic variant.

Literature cited by the submitters: PubMed 26386245 (cited by Labcorp Genetics (formerly Invitae), Labcorp); PubMed 27334371 (cited by Labcorp Genetics (formerly Invitae), Labcorp); PubMed 28166369 (cited by Labcorp Genetics (formerly Invitae), Labcorp); PubMed 28548707 (cited by Labcorp Genetics (formerly Invitae), Labcorp); PubMed 31334757 (cited by Labcorp Genetics (formerly Invitae), Labcorp).

NM_006306.4(SMC1A):c.2272C>T (p.Arg758Ter)

Gene: SMC1A (structural maintenance of chromosomes 1A; minus strand). Cytogenetic location: Xp11.22.
Variant type: single nucleotide variant.
Coding change: c.2272C>T on transcript NM_006306.4 (MANE Select); coding-DNA position 2272, C replaced by T.
Protein change: p.Arg758Ter; replaces arginine 758 with a stop codon.
Molecular consequence: nonsense.
Genome position (GRCh38, 1-based): chrX:53,403,818, G>A on the plus strand (C>T on the coding strand, the complement: SMC1A is on the minus strand). VCF-style: chrX-53403818-G-A. GRCh37 (hg19) VCF-style: chrX-53430750-G-A.
Other names: c.2206C>T, p.Arg736Ter (NM_001281463.1); short protein forms R736*, R758*.
Identifiers: ClinVar variation 432458 (VCV000432458.6), dbSNP rs1556889269, ClinGen allele CA413251259.